The following is an entry in ClinVar:

ClinVar aggregate classification (germline): Benign. Review status: criteria provided, multiple submitters, no conflicts (2 of 4 stars). 2 submissions from 2 submitters: Benign (2). Last evaluated 2019-12-31.

Conditions:
Short stature due to primary acid-labile subunit deficiency. Also called: Acid-labile subunit deficiency; Acid-labile subunit, deficiency of. Identifiers: Orphanet 140941, MedGen C3900122, MONDO:0014420, OMIM 615961.

Allele frequency attached by ClinVar (database versions not stated): ESP Exome Variant Server 0.00050; gnomAD exomes 0.00085 and 0.00334; gnomAD 0.00110 and 0.00140; TOPMed 0.00186; ExAC 0.00391; 1000 Genomes Project 30x 0.00562; 1000 Genomes Project 0.00619.
gnomAD v4.1: 1,573 of 1,574,766 alleles (0.1%); highest among the groups gnomAD compares: East Asian, 2.8%; 31 homozygotes.

Submissions (2):

Labcorp Genetics (formerly Invitae), Labcorp
Classification: Benign. Last evaluated: 2019-12-31. Review status: criteria provided, single submitter. Criteria: Invitae Variant Classification Sherloc (09022015). Collection method: clinical testing. Allele origin: germline.

Illumina Laboratory Services, Illumina
Classification: Benign for Short stature due to primary acid-labile subunit deficiency. Last evaluated: 2018-01-13. Review status: criteria provided, single submitter. Criteria: ICSL Variant Classification Criteria 13 December 2019. Collection method: clinical testing. Allele origin: germline.
Comment: This variant was observed in the ICSL laboratory as part of a predisposition screen in an ostensibly healthy population. It had not been previously curated by ICSL or reported in the Human Gene Mutation Database (HGMD: prior to June 1st, 2018), and was therefore a candidate for classification through an automated scoring system. Utilizing variant allele frequency, disease prevalence and penetrance estimates, and inheritance mode, an automated score was calculated to assess if this variant is too frequent to cause the disease. Based on the score and internal cut-off values, a variant classified as benign is not then subjected to further curation. The score for this variant resulted in a classification of benign for this disease.

NM_004970.3(IGFALS):c.33G>A (p.Ala11=)

Gene: IGFALS (insulin like growth factor binding protein acid labile subunit; minus strand). Cytogenetic location: 16p13.3.
Variant type: single nucleotide variant.
Coding change: c.33G>A on transcript NM_004970.3 (MANE Select); coding-DNA position 33, G replaced by A.
Protein change: p.Ala11=; no amino-acid change (alanine 11 retained).
Molecular consequence: synonymous variant. On other transcripts: non-coding transcript variant (1).
Genome position (GRCh38, 1-based): chr16:1,792,385, C>T on the plus strand (G>A on the coding strand, the complement: IGFALS is on the minus strand). VCF-style: chr16-1792385-C-T. GRCh37 (hg19) VCF-style: chr16-1842386-C-T.
Other names: c.147G>A, p.Ala49= (NM_001146006.2).
Identifiers: ClinVar variation 318271 (VCV000318271.9), dbSNP rs9282732, ClinGen allele CA7820746.
Genomic context (GRCh38, chr16:1,792,385, plus strand): 5'-TCCGGGGTCTGCTCCCTCCAGGCTGCGGGGGCCCAGTGCCACCCAGGACAGCAGCAGCAG[C>T]GCCAGGGCCAGGCCTCCTGCGGGGGGAGAGGCTTGGGGAGGCGGCCCGAGGAGGGCTCTG-3'
Protein context (NP_004961.1, residues 1-21): MALRKGGLAL[Ala11=]LLLLSWVALG